The following is an entry in ClinVar:

ClinVar aggregate classification (germline): Uncertain significance. Review status: criteria provided, multiple submitters, no conflicts (2 of 4 stars). 2 submissions from 2 submitters: Uncertain significance (2). Last evaluated 2021-12-08.

Conditions:
Cardiovascular phenotype. Identifiers: MedGen CN230736.
Catecholaminergic polymorphic ventricular tachycardia 1. Also called: VENTRICULAR TACHYCARDIA, CATECHOLAMINERGIC POLYMORPHIC, 1, WITH OR WITHOUT ATRIAL DYSFUNCTION AND/OR DILATED CARDIOMYOPATHY; VENTRICULAR TACHYCARDIA, STRESS-INDUCED POLYMORPHIC 1; RYR2-Related Catecholaminergic Polymorphic Ventricular Tachycardia. Identifiers: Orphanet 3286, MedGen C1631597, MONDO:0011484, OMIM 604772.

Submissions (2):

Ambry Genetics
Classification: Uncertain significance for Cardiovascular phenotype. Last evaluated: 2021-12-08. Review status: criteria provided, single submitter. Criteria: Ambry Variant Classification Scheme 2023. Collection method: clinical testing. Allele origin: germline.
Comment: The p.N1723S variant (also known as c.5168A>G), located in coding exon 37 of the RYR2 gene, results from an A to G substitution at nucleotide position 5168. The asparagine at codon 1723 is replaced by serine, an amino acid with highly similar properties. This amino acid position is not well conserved in available vertebrate species. In addition, this alteration is predicted to be tolerated by in silico analysis. Since supporting evidence is limited at this time, the clinical significance of this alteration remains unclear.

Labcorp Genetics (formerly Invitae), Labcorp
Classification: Uncertain significance for Catecholaminergic polymorphic ventricular tachycardia 1. Last evaluated: 2021-08-29. Review status: criteria provided, single submitter. Criteria: Invitae Variant Classification Sherloc (09022015). Collection method: clinical testing. Allele origin: germline.
Comment: This sequence change replaces asparagine with serine at codon 1723 of the RYR2 protein (p.Asn1723Ser). The asparagine residue is highly conserved and there is a small physicochemical difference between asparagine and serine. This variant is not present in population databases (ExAC no frequency). This variant has not been reported in the literature in individuals affected with RYR2-related conditions. Advanced modeling of protein sequence and biophysical properties (such as structural, functional, and spatial information, amino acid conservation, physicochemical variation, residue mobility, and thermodynamic stability) performed at Invitae indicates that this missense variant is not expected to disrupt RYR2 protein function. In summary, the available evidence is currently insufficient to determine the role of this variant in disease. Therefore, it has been classified as a Variant of Uncertain Significance.

NM_001035.3(RYR2):c.5168A>G (p.Asn1723Ser)

Gene: RYR2 (ryanodine receptor 2; plus strand). Cytogenetic location: 1q43.
Variant type: single nucleotide variant.
Coding change: c.5168A>G on transcript NM_001035.3 (MANE Select); coding-DNA position 5168, A replaced by G.
Protein change: p.Asn1723Ser; replaces asparagine 1723 with serine.
Molecular consequence: missense variant.
Genome position (GRCh38, 1-based): chr1:237,614,296, A>G. VCF-style: chr1-237614296-A-G. GRCh37 (hg19) VCF-style: chr1-237777596-A-G.
Other names: short protein forms N1723S.
Identifiers: ClinVar variation 1349759 (VCV001349759.9), dbSNP rs2148594785, ClinGen allele CA345404163.